The following is an entry in ClinVar:

NM_003482.4(KMT2D):c.3893C>A (p.Ser1298Tyr)

Genes: KMT2D (lysine methyltransferase 2D; minus strand), LOC126861520 (CDK7 strongly-dependent group 2 enhancer GRCh37_chr12:49442744-49443943; plus strand). Cytogenetic location: 12q13.12.
Variant type: single nucleotide variant.
Coding change: c.3893C>A on transcript NM_003482.4 (MANE Select); coding-DNA position 3893, C replaced by A.
Protein change: p.Ser1298Tyr; replaces serine 1298 with tyrosine.
Molecular consequence: missense variant.
Genome position (GRCh38, 1-based): chr12:49,049,695, G>T on the plus strand (C>A on the coding strand, the complement: KMT2D is on the minus strand). VCF-style: chr12-49049695-G-T. GRCh37 (hg19) VCF-style: chr12-49443478-G-T.
Other names: c.3893C>A (NM_003482.3); short protein forms S1298Y.
Identifiers: ClinVar variation 623806 (VCV000623806.48), dbSNP rs760144885, ClinGen allele CA384652403.

ClinVar aggregate classification (germline): Uncertain significance. Review status: criteria provided, multiple submitters, no conflicts (2 of 4 stars). 3 submissions from 3 submitters: Uncertain significance (2). 1 of the submissions does not count toward it. Last evaluated 2022-10-17.

Conditions:
KMT2D-related disorder. Also called: KMT2D-Related Disorders.
Kabuki syndrome. Also called: NIIKAWA-KUROKI SYNDROME; Kabuki make-up syndrome. Identifiers: Orphanet 2322, MedGen C0796004, MONDO:0016512.

Submissions (3):

Labcorp Genetics (formerly Invitae), Labcorp
Classification: Uncertain significance for Kabuki syndrome. Last evaluated: 2022-10-17. Review status: criteria provided, single submitter. Criteria: Invitae Variant Classification Sherloc (09022015). Collection method: clinical testing. Allele origin: germline.
Comment: This variant has not been reported in the literature in individuals affected with KMT2D-related conditions. ClinVar contains an entry for this variant (Variation ID: 623806). Advanced modeling of protein sequence and biophysical properties (such as structural, functional, and spatial information, amino acid conservation, physicochemical variation, residue mobility, and thermodynamic stability) has been performed at Invitae for this missense variant, however the output from this modeling did not meet the statistical confidence thresholds required to predict the impact of this variant on KMT2D protein function. In summary, the available evidence is currently insufficient to determine the role of this variant in disease. Therefore, it has been classified as a Variant of Uncertain Significance. This sequence change replaces serine, which is neutral and polar, with tyrosine, which is neutral and polar, at codon 1298 of the KMT2D protein (p.Ser1298Tyr). This variant is not present in population databases (gnomAD no frequency).

CeGaT Center for Human Genetics Tuebingen
Classification: Uncertain significance. Last evaluated: 2018-04-01. Review status: criteria provided, single submitter. Criteria: CeGaT Center For Human Genetics Tuebingen Variant Classification Criteria Version 2. Collection method: clinical testing. Allele origin: germline. Affected: yes. Observed: 1 variant allele.

PreventionGenetics, part of Exact Sciences
Classification: Uncertain significance for KMT2D-related condition. Last evaluated: 2024-05-07. Review status: no assertion criteria provided. Collection method: clinical testing. Allele origin: germline. Not counted in ClinVar's aggregate classification.
Comment: The KMT2D c.3893C>A variant is predicted to result in the amino acid substitution p.Ser1298Tyr. To our knowledge, this variant has not been reported in the literature or in a large population database, indicating this variant is rare. At this time, the clinical significance of this variant is uncertain due to the absence of conclusive functional and genetic evidence.